The following is an entry in ClinVar:

NM_000843.4(GRM6):c.2356G>A (p.Gly786Ser)

Genes: GRM6 (glutamate metabotropic receptor 6; minus strand), ZNF454 (zinc finger protein 454; plus strand). Cytogenetic location: 5q35.3.
Variant type: single nucleotide variant.
Coding change: c.2356G>A on transcript NM_000843.4 (MANE Select); coding-DNA position 2356, G replaced by A.
Protein change: p.Gly786Ser; replaces glycine 786 with serine.
Molecular consequence: missense variant.
Genome position (GRCh38, 1-based): chr5:178,982,990, C>T on the plus strand (G>A on the coding strand, the complement: GRM6 is on the minus strand). VCF-style: chr5-178982990-C-T. GRCh37 (hg19) VCF-style: chr5-178409991-C-T.
Other names: c.2356G>A (NM_000843.3); short protein forms G786S.
Identifiers: ClinVar variation 1522205 (VCV001522205.8), dbSNP rs372478963, ClinGen allele CA3593561.

ClinVar aggregate classification (germline): Uncertain significance. Review status: criteria provided, multiple submitters, no conflicts (2 of 4 stars). 3 submissions from 3 submitters: Uncertain significance (3). Last evaluated 2025-11-08.

Conditions:
Inborn genetic diseases. Identifiers: MedGen C0950123, MeSH D030342.

Allele frequency attached by ClinVar (database versions not stated): TOPMed 0.00002; gnomAD exomes 0.00003 and 0.00005; ExAC 0.00004; gnomAD 0.00007; ESP Exome Variant Server 0.00008.
gnomAD v4.1: 49 of 1,614,032 alleles (0.003%); highest among the groups gnomAD compares: South Asian, 0.0055%; no homozygotes.

Submissions (3):

Ambry Genetics
Classification: Uncertain significance for Inborn genetic diseases. Last evaluated: 2025-11-08. Review status: criteria provided, single submitter. Criteria: Ambry Variant Classification Scheme 2023. Collection method: clinical testing. Allele origin: germline.

Blueprint Genetics
Classification: Uncertain significance. Last evaluated: 2024-07-05. Review status: criteria provided, single submitter. Criteria: ACMG Guidelines, 2015. Collection method: clinical testing. Allele origin: germline.

Labcorp Genetics (formerly Invitae), Labcorp
Classification: Uncertain significance. Last evaluated: 2022-08-22. Review status: criteria provided, single submitter. Criteria: Invitae Variant Classification Sherloc (09022015). Collection method: clinical testing. Allele origin: germline.
Comment: This sequence change replaces glycine, which is neutral and non-polar, with serine, which is neutral and polar, at codon 786 of the GRM6 protein (p.Gly786Ser). This variant is present in population databases (rs372478963, gnomAD 0.04%). This variant has not been reported in the literature in individuals affected with GRM6-related conditions. ClinVar contains an entry for this variant (Variation ID: 1522205). Advanced modeling of protein sequence and biophysical properties (such as structural, functional, and spatial information, amino acid conservation, physicochemical variation, residue mobility, and thermodynamic stability) performed at Invitae indicates that this missense variant is expected to disrupt GRM6 protein function. In summary, the available evidence is currently insufficient to determine the role of this variant in disease. Therefore, it has been classified as a Variant of Uncertain Significance.